The following is an entry in ClinVar:

NM_032520.5(GNPTG):c.572T>G (p.Val191Gly)

Gene: GNPTG (N-acetylglucosamine-1-phosphate transferase subunit gamma; plus strand). Cytogenetic location: 16p13.3.
Variant type: single nucleotide variant.
Coding change: c.572T>G on transcript NM_032520.5 (MANE Select); coding-DNA position 572, T replaced by G.
Protein change: p.Val191Gly; replaces valine 191 with glycine.
Molecular consequence: missense variant.
Genome position (GRCh38, 1-based): chr16:1,362,497, T>G. VCF-style: chr16-1362497-T-G. GRCh37 (hg19) VCF-style: chr16-1412498-T-G.
Other names: short protein forms V191G.
Identifiers: ClinVar variation 1402188 (VCV001402188.5), dbSNP rs1596615031, ClinGen allele CA394188233.
Genomic context (GRCh38, chr16:1,362,497, plus strand): 5'-CTCTTGGGTCCTCAGTGTACCCAACCCTGCCAGAGGCCCTGCAGCGGCAGTGGGACCAGG[T>G]AGAGCAGGACCTGGCCGATGAGCTGATCACCCCCCAGGTAAGCGTGCGCTCGGGGTGGCC-3'
Protein context (NP_115909.1, residues 181-201): PEALQRQWDQ[Val191Gly]EQDLADELIT

ClinVar aggregate classification (germline): Uncertain significance (1 of 4 stars; one submission).

Submission:

Labcorp Genetics (formerly Invitae), Labcorp
Classification: Uncertain significance. Last evaluated: 2022-03-11. Review status: criteria provided, single submitter. Criteria: Invitae Variant Classification Sherloc (09022015). Collection method: clinical testing. Allele origin: germline.
Comment: This sequence change replaces valine, which is neutral and non-polar, with glycine, which is neutral and non-polar, at codon 191 of the GNPTG protein (p.Val191Gly). This variant is not present in population databases (gnomAD no frequency). This variant has not been reported in the literature in individuals affected with GNPTG-related conditions. Algorithms developed to predict the effect of missense changes on protein structure and function are either unavailable or do not agree on the potential impact of this missense change (SIFT: "Deleterious"; PolyPhen-2: "Possibly Damaging"; Align-GVGD: "Class C0"). In summary, the available evidence is currently insufficient to determine the role of this variant in disease. Therefore, it has been classified as a Variant of Uncertain Significance.